The following is an entry in ClinVar:

NM_001283009.2(RTEL1):c.3469C>T (p.Pro1157Ser)

Genes: RTEL1 (regulator of telomere elongation helicase 1; plus strand), RTEL1-TNFRSF6B (RTEL1-TNFRSF6B readthrough (NMD candidate); plus strand). Cytogenetic location: 20q13.33.
Variant type: single nucleotide variant.
Coding change: c.3469C>T on transcript NM_001283009.2 (MANE Select); coding-DNA position 3469, C replaced by T.
Protein change: p.Pro1157Ser; replaces proline 1157 with serine.
Molecular consequence: missense variant. On other transcripts: non-coding transcript variant (1).
Genome position (GRCh38, 1-based): chr20:63,695,191, C>T. VCF-style: chr20-63695191-C-T. GRCh37 (hg19) VCF-style: chr20-62326544-C-T.
Other names: c.2800C>T, p.Pro934Ser (NM_001283010.1); c.3469C>T, p.Pro1157Ser (NM_016434.4); c.3541C>T, p.Pro1181Ser (NM_032957.5); short protein forms P1157S, P1181S, P934S.
Identifiers: ClinVar variation 3436000 (VCV003436000.1).

ClinVar aggregate classification (germline): Uncertain significance (1 of 4 stars; one submission).

Conditions:
Inborn genetic diseases. Identifiers: MedGen C0950123, MeSH D030342.

Submission:

Ambry Genetics
Classification: Uncertain significance for Inborn genetic diseases. Last evaluated: 2024-11-28. Review status: criteria provided, single submitter. Criteria: Ambry Variant Classification Scheme 2023. Collection method: clinical testing. Allele origin: germline.
Comment: The p.P1157S variant (also known as c.3469C>T), located in coding exon 32 of the RTEL1 gene, results from a C to T substitution at nucleotide position 3469. The proline at codon 1157 is replaced by serine, an amino acid with similar properties. This amino acid position is conserved. In addition, this alteration is predicted to be tolerated by in silico analysis. Based on the available evidence, the clinical significance of this variant remains unclear.